The following is an entry in ClinVar:

ClinVar aggregate classification (germline): Uncertain significance (1 of 4 stars; one submission).

Submission:

GeneDx
Classification: Uncertain significance. Last evaluated: 2019-08-22. Review status: criteria provided, single submitter. Criteria: GeneDx Variant Classification Process June 2021. Collection method: clinical testing. Allele origin: germline. Affected: yes.
Comment: Not observed in large population cohorts (Lek et al., 2016); Has not been previously published as pathogenic or benign to our knowledge; In-silico analysis, which includes splice predictors and evolutionary conservation, is inconclusive as to whether the variant alters gene splicing. In the absence of RNA/functional studies, the actual effect of this sequence change is unknown.

NM_030632.3(ASXL3):c.3039+5G>A

Gene: ASXL3 (ASXL transcriptional regulator 3; plus strand). Cytogenetic location: 18q12.1.
Variant type: single nucleotide variant.
Coding change: c.3039+5G>A on transcript NM_030632.3 (MANE Select); 5 bases into the intron after coding-DNA position 3039, G replaced by A.
Molecular consequence: intron variant.
Genome position (GRCh38, 1-based): chr18:33,740,448, G>A. VCF-style: chr18-33740448-G-A. GRCh37 (hg19) VCF-style: chr18-31320412-G-A.
Identifiers: ClinVar variation 1308164 (VCV001308164.2), dbSNP rs2145417740, ClinGen allele CA2573054655.
Genomic context (GRCh38, chr18:33,740,448, plus strand): 5'-GCCCACCTGAGAAAGAACAGCCTCCCAGAGAGGAACCAAGGGTTCCCCCTCTCAAGGTAT[G>A]GTATTAAATAAACAAAAGGCAATTCCGTAGATAGGCTTTTCCTATTTAGAAGCCTAATTT-3'